The following is an entry in ClinVar:

ClinVar aggregate classification (germline): Conflicting classifications of pathogenicity. Review status: criteria provided, conflicting classifications (1 of 4 stars). 3 submissions from 3 submitters: Uncertain significance (1); Likely benign (2). Last evaluated 2026-05-11.

Conditions:
Hereditary cancer-predisposing syndrome. Also called: Hereditary neoplastic syndrome; Neoplastic Syndromes, Hereditary; Hereditary Cancer Syndrome; Tumor predisposition. Identifiers: Orphanet 140162, MedGen C0027672, MeSH D009386, MONDO:0015356.
Neurofibromatosis, type 1 (NF1). Also called: Peripheral type neurofibromatosis; Neurofibromatosis, type I; VON RECKLINGHAUSEN DISEASE; NEUROFIBROMATOSIS, TYPE I, SOMATIC. Identifiers: Orphanet 636, MedGen C0027831, MONDO:0018975, OMIM 162200. Disease mechanism: loss of function.

Allele frequency attached by ClinVar (database versions not stated): gnomAD 0.00013; gnomAD exomes below 0.00001; 1000 Genomes Project 30x 0.00016.

Submissions (3):

Myriad Genetics, Inc.
Classification: Likely benign for Neurofibromatosis, type 1. Last evaluated: 2026-05-11. Review status: criteria provided, single submitter. Criteria: Myriad Autosomal Dominant, Autosomal Recessive and X-Linked Classification Criteria (2023). Collection method: clinical testing. Allele origin: unknown.
Comment: This variant is considered likely benign. This variant is intronic and is not expected to impact mRNA splicing.

Sema4
Classification: Uncertain significance for Hereditary cancer-predisposing syndrome. Last evaluated: 2021-06-24. Review status: criteria provided, single submitter. Criteria: Sema4 Curation Guidelines. Collection method: curation. Allele origin: germline.
Comment: The NF1 c.61-13delC variant has not been reported in the literature to our knowledge. It was observed in 3/34836 chromosomes of the Latino subpopulation in the large and broad cohorts of the Genome Aggregation Database. The variant has been reported in ClinVar (Variation ID 516921). In silico tools suggest the impact of the variant on protein function is benign, though these predictions have not been confirmed by functional studies. The evidence is insufficient to meet ACMG/AMP criteria for classifying the variant as benign or pathogenic. Thus, the clinical significance of this variant is currently uncertain.

GeneDx
Classification: Likely benign. Last evaluated: 2018-03-06. Review status: criteria provided, single submitter. Criteria: GeneDx Variant Classification (06012015). Collection method: clinical testing. Allele origin: germline. Affected: yes.
Comment: This variant is considered likely benign or benign based on one or more of the following criteria: it is a conservative change, it occurs at a poorly conserved position in the protein, it is predicted to be benign by multiple in silico algorithms, and/or has population frequency not consistent with disease.

NM_001042492.3(NF1):c.61-13del

Gene: NF1 (neurofibromin 1; plus strand). Cytogenetic location: 17q11.2.
Variant type: Deletion.
Coding change: c.61-13del on transcript NM_001042492.3 (MANE Select); 13 bases into the intron before coding-DNA position 61, one base deleted (C; older notation c.61-13delC).
Molecular consequence: intron variant.
Genome position (GRCh38, 1-based): chr17:31,155,970, C deleted. VCF-style (leftmost placement, unchanged base first): chr17-31155969-TC-T. GRCh37 (hg19) VCF-style: chr17-29482987-TC-T.
Other names: c.61-13delC (NM_000267.3); c.61-13del (NM_000267.4, NM_001128147.3).
Identifiers: ClinVar variation 516921 (VCV000516921.3), dbSNP rs1215659707, ClinGen allele CA625468493.